The following is an entry in ClinVar:

ClinVar aggregate classification (germline): Pathogenic/Likely pathogenic. Review status: criteria provided, multiple submitters, no conflicts (2 of 4 stars). 4 submissions from 4 submitters: Pathogenic (3); Likely pathogenic (1). Last evaluated 2025-08-24.

Conditions:
Familial thoracic aortic aneurysm and aortic dissection (TAAD). Also called: Thoracic aortic aneurysms and dissections. Identifiers: Orphanet 91387, MedGen C4707243, MONDO:0019625.
Ehlers-Danlos syndrome, kyphoscoliotic type 1 (EDSKSCL1). Also called: EHLERS-DANLOS SYNDROME, OCULAR-SCOLIOTIC TYPE; PLOD1-Related Kyphoscoliotic Ehlers-Danlos Syndrome; EHLERS-DANLOS SYNDROME, TYPE VIA; Ehlers-Danlos syndrome, hydroxylysine-deficient. Identifiers: Orphanet 1900, MedGen C0268342, MONDO:0016002, OMIM 225400. Disease mechanism: loss of function.

Submissions (4):

Labcorp Genetics (formerly Invitae), Labcorp
Classification: Pathogenic for Ehlers-Danlos syndrome, kyphoscoliotic type 1. Last evaluated: 2025-08-24. Review status: criteria provided, single submitter. Criteria: Invitae Variant Classification Sherloc (09022015). Collection method: clinical testing. Allele origin: germline.
Comment: This sequence change creates a premature translational stop signal (p.Asp135Valfs*75) in the PLOD1 gene. It is expected to result in an absent or disrupted protein product. Loss-of-function variants in PLOD1 are known to be pathogenic (PMID: 10874315, 21699693). This variant is present in population databases (rs745409628, gnomAD 0.0009%). This variant has not been reported in the literature in individuals affected with PLOD1-related conditions. ClinVar contains an entry for this variant (Variation ID: 264119). For these reasons, this variant has been classified as Pathogenic.

Fulgent Genetics
Classification: Likely pathogenic for Ehlers-Danlos syndrome, kyphoscoliotic type 1. Last evaluated: 2024-06-11. Review status: criteria provided, single submitter. Criteria: ACMG Guidelines, 2015. Collection method: clinical testing. Allele origin: germline.

GeneDx
Classification: Pathogenic. Last evaluated: 2022-01-25. Review status: criteria provided, single submitter. Criteria: GeneDx Variant Classification Process June 2021. Collection method: clinical testing. Allele origin: germline. Affected: yes.
Comment: Frameshift variant predicted to result in protein truncation or nonsense mediated decay in a gene for which loss-of-function is a known mechanism of disease; Not observed at significant frequency in large population cohorts (gnomAD); Truncating variants in this gene are considered pathogenic by a well-established clinical consortium and/or database; Has not been previously published as pathogenic or benign to our knowledge

Ambry Genetics
Classification: Pathogenic for Familial thoracic aortic aneurysm and aortic dissection. Last evaluated: 2015-06-24. Review status: criteria provided, single submitter. Criteria: Ambry Variant Classification Scheme 2023. Collection method: clinical testing. Allele origin: germline.
Comment: The c.404_423del20 variant, located in coding exon 4 of the PLOD1 gene, results from a deletion of 20 nucleotides between positions 404 and 423, causing a translational frameshift with a predicted alternate stop codon. Since frameshifts are typically deleterious in nature, this alteration is interpreted as a disease-causing mutation (ACMG Recommendations for Standards for Interpretation and Reporting of Sequence Variations. Revision 2007. Genet Med. 2008;10:294).

Literature cited by the submitters: PubMed 10874315 (cited by Labcorp Genetics (formerly Invitae), Labcorp); PubMed 21699693 (cited by Labcorp Genetics (formerly Invitae), Labcorp).

NM_000302.4(PLOD1):c.404_423del (p.Asp135fs)

Gene: PLOD1 (procollagen-lysine,2-oxoglutarate 5-dioxygenase 1; plus strand). Cytogenetic location: 1p36.22.
Variant type: Deletion.
Coding change: c.404_423del on transcript NM_000302.4 (MANE Select); coding-DNA positions 404 to 423, 20 bases deleted (ACCGCAGGCTGGAGACCAAG).
Protein change: p.Asp135fs; shifts the reading frame from aspartic acid 135.
Molecular consequence: frameshift variant.
Genome position (GRCh38, 1-based): chr1:11,950,458-11,950,477, ACCGCAGGCTGGAGACCAAG deleted; deleting any 20 consecutive bases within chr1:11,950,456-11,950,477 gives the same sequence; the c. name uses the placement nearest the transcript's 3' end. VCF-style (leftmost placement, unchanged base first): chr1-11950455-CAGACCGCAGGCTGGAGACCA-C. GRCh37 (hg19) VCF-style: chr1-12010512-CAGACCGCAGGCTGGAGACCA-C.
Other names: c.404_423delACCGCAGGCTGGAGACCAAG (NM_000302.3); c.545_564del, p.Asp182fs (NM_001316320.2); c.404_423del20 (NM_000302.3); short protein forms D135fs, D182fs.
Identifiers: ClinVar variation 264119 (VCV000264119.16), dbSNP rs745409628, ClinGen allele CA597888.